The following is an entry in ClinVar:

ClinVar aggregate classification (germline): Uncertain significance (1 of 4 stars; one submission).

Submission:

GeneDx
Classification: Uncertain significance. Last evaluated: 2025-05-22. Review status: criteria provided, single submitter. Criteria: GeneDx Variant Classification Process June 2021. Collection method: clinical testing. Allele origin: germline. Affected: yes.
Comment: Not observed at significant frequency in large population cohorts (gnomAD); In silico analysis suggests that this missense variant does not alter protein structure/function; Has not been previously published as pathogenic or benign to our knowledge; This variant is associated with the following publications: (PMID: 18034775)

NM_005188.4(CBL):c.56G>C (p.Gly19Ala)

Genes: CBL (Cbl proto-oncogene; plus strand), LOC130006895 (ATAC-STARR-seq lymphoblastoid silent region 3975; plus strand). Cytogenetic location: 11q23.3.
Variant type: single nucleotide variant.
Coding change: c.56G>C on transcript NM_005188.4 (MANE Select); coding-DNA position 56, G replaced by C.
Protein change: p.Gly19Ala; replaces glycine 19 with alanine.
Molecular consequence: missense variant.
Genome position (GRCh38, 1-based): chr11:119,206,473, G>C. VCF-style: chr11-119206473-G-C. GRCh37 (hg19) VCF-style: chr11-119077183-G-C.
Other names: short protein forms G19A.
Identifiers: ClinVar variation 4530742 (VCV004530742.1).